The following is an entry in ClinVar:

NM_000321.3(RB1):c.1589A>G (p.Lys530Arg)

Gene: RB1 (RB transcriptional corepressor 1; plus strand). Cytogenetic location: 13q14.2.
Variant type: single nucleotide variant.
Coding change: c.1589A>G on transcript NM_000321.3 (MANE Select); coding-DNA position 1589, A replaced by G.
Protein change: p.Lys530Arg; replaces lysine 530 with arginine.
Molecular consequence: missense variant.
Genome position (GRCh38, 1-based): chr13:48,381,337, A>G. VCF-style: chr13-48381337-A-G. GRCh37 (hg19) VCF-style: chr13-48955473-A-G.
Other names: short protein forms K530R.
Identifiers: ClinVar variation 1037460 (VCV001037460.9), dbSNP rs1948534047, ClinGen allele CA388163655.

ClinVar aggregate classification (germline): Pathogenic/Likely pathogenic. Review status: criteria provided, multiple submitters, no conflicts (2 of 4 stars). 3 submissions from 3 submitters: Pathogenic (2); Likely pathogenic (1). Last evaluated 2025-09-17.

Conditions:
Retinoblastoma (RB1). Also called: RETINOBLASTOMA, SOMATIC. Identifiers: Orphanet 790, MedGen C0035335, MeSH D012175, MONDO:0008380, OMIM 180200, HP:0009919. Disease mechanism: loss of function. Inheritance: Both sporadic and heritable forms are tested..
Hereditary retinoblastoma. Identifiers: Orphanet 357027, MedGen C0751483, MONDO:0018160.

Submissions (3):

Ramesar Group, Division of Human Genetics, Institute of Infectious Diseases and Molecular Medicine, UCT/MRC Genomic and Precision Medicine Research Unit, University of Cape Town
Classification: Pathogenic for Hereditary retinoblastoma. Last evaluated: 2025-09-17. Review status: criteria provided, single submitter. Criteria: ACMG Guidelines, 2015. Collection method: research. Allele origin: germline. Affected: yes. Observed: 2 variant alleles.
Comment: PS4_Moderate: Prevalence of variant in affected individuals is significantly increased compared to controls (ClinVar ID: 1037460) PM2: Absent from gnomAD and ExAC PP3: Predicted deleterious by SIFT, probably damaging by PolyPhen-2, highly conserved (PhyloP 8.94), and REVEL score 0.93 PP4: Patient presents with bilateral retinoblastoma PP5: Reported as pathogenic in ClinVar

Genetic Diagnostic Laboratory, University of Pennsylvania School of Medicine
Classification: Likely pathogenic for Retinoblastoma. Last evaluated: 2024-05-20. Review status: criteria provided, single submitter. Criteria: ACMG Guidelines, 2015. Collection method: clinical testing. Allele origin: germline. Affected: yes. Observed: 1 variant allele.
Comment: Case and Pedigree Information: BILATERAL CASES:0, UNILATERAL CASES:1, TOTAL CASES:1, PEDIGREES:1. ACMG Codes Applied:PM1, PM2

Labcorp Genetics (formerly Invitae), Labcorp
Classification: Pathogenic for Retinoblastoma. Last evaluated: 2024-02-08. Review status: criteria provided, single submitter. Criteria: Invitae Variant Classification Sherloc (09022015). Collection method: clinical testing. Allele origin: germline.
Comment: This sequence change replaces lysine, which is basic and polar, with arginine, which is basic and polar, at codon 530 of the RB1 protein (p.Lys530Arg). RNA analysis indicates that this missense change induces altered splicing and may result in an absent or disrupted protein product. This variant is not present in population databases (gnomAD no frequency). This missense change has been observed in individual(s) with retinoblastoma (PMID: 7704558, 34294096; Invitae). This variant is also known as p.Lys531Arg. ClinVar contains an entry for this variant (Variation ID: 1037460). Advanced modeling of protein sequence and biophysical properties (such as structural, functional, and spatial information, amino acid conservation, physicochemical variation, residue mobility, and thermodynamic stability) performed at Invitae indicates that this missense variant is not expected to disrupt RB1 protein function with a negative predictive value of 80%. Studies have shown that this missense change results in activation of a cryptic splice site and introduces a premature termination codon (Invitae). The resulting mRNA is expected to undergo nonsense-mediated decay. For these reasons, this variant has been classified as Pathogenic.

Literature cited by the submitters: PubMed 7704558 (cited by Labcorp Genetics (formerly Invitae), Labcorp); PubMed 34294096 (cited by Labcorp Genetics (formerly Invitae), Labcorp).